The following is an entry in ClinVar:

ClinVar aggregate classification (germline): Uncertain significance (1 of 4 stars; one submission).

Conditions:
Genitourinary and/or brain malformation syndrome (GUBS). Also called: PPP1R12A-Related Urogenital and/or Brain Malformation Syndrome. Identifiers: MedGen C5394158, MONDO:0032934, OMIM 618820.

Allele frequency attached by ClinVar (database versions not stated): TOPMed 0.00001; gnomAD 0.00003.
gnomAD v4.1: 14 of 1,599,558 alleles (0.00088%); highest among the groups gnomAD compares: Admixed American, 0.0069%; no homozygotes.

Submission:

Victorian Clinical Genetics Services, Murdoch Childrens Research Institute
Classification: Uncertain significance for Genitourinary and/or brain malformation syndrome. Last evaluated: 2020-05-26. Review status: criteria provided, single submitter. Criteria: ACMG Guidelines, 2015. Collection method: clinical testing. Allele origin: germline. Inheritance: Autosomal dominant inheritance. Affected: yes.
Comment: Based on the classification scheme VCGS_Germline_v1.1.1, this variant is classified as 3C-VUS. Following criteria are met: 0102 - Loss-of-function is a known mechanism of disease for this gene. (N) 0107 - This gene is known to be associated with autosomal dominant disease. (N) 0200 - Variant is predicted to result in a missense amino acid change from glutamine to histidine (exon 16). (N) 0251 - Variant is heterozygous. (N) 0301 - Variant is absent from gnomAD. (P) 0503 - Missense variant consistently predicted to be tolerated or not conserved in mammals with a minor amino acid change. (B) 0604 - Variant is not located in an established domain, motif, hotspot or informative constraint region. (N) 0705 - No comparable variants have previous evidence for pathogenicity. (N) 0807 - Variant has not previously been reported in a clinical context. (N) 0905 - No segregation evidence has been identified for this variant. (N) 1007 - No published functional evidence has been identified for this variant. (N) 1208 - Inheritance information for this variant is not currently available. (N) Legend: (P) - Pathogenic, (N) - Neutral, (B) - Benign

NM_002480.3(PPP1R12A):c.2166A>T (p.Gln722His)

Gene: PPP1R12A (protein phosphatase 1 regulatory subunit 12A; minus strand). Cytogenetic location: 12q21.2.
Variant type: single nucleotide variant.
Coding change: c.2166A>T on transcript NM_002480.3 (MANE Select); coding-DNA position 2166, A replaced by T.
Protein change: p.Gln722His; replaces glutamine 722 with histidine.
Molecular consequence: missense variant.
Genome position (GRCh38, 1-based): chr12:79,797,321, T>A on the plus strand (A>T on the coding strand, the complement: PPP1R12A is on the minus strand). VCF-style: chr12-79797321-T-A. GRCh37 (hg19) VCF-style: chr12-80191101-T-A.
Other names: c.2166A>T, p.Gln722His (NM_001143885.2, NM_001244990.2); c.1905A>T, p.Gln635His (NM_001143886.2); c.1998A>T, p.Gln666His (NM_001244992.1); short protein forms Q635H, Q666H, Q722H.
Identifiers: ClinVar variation 1805823 (VCV001805823.1), dbSNP rs749084000, ClinGen allele CA240152612.
Genomic context (GRCh38, chr12:79,797,321, plus strand): 5'-TTCTTCTTGTTTCTCTTTATCTTGTTTCTCTTTTTCCTCTTTTTCTTTTTCTTCATTTTC[T>A]TGTTCTCTGGTTCGGGTAGAACGACTTCTTCCTATTGTTTTCTCAGCTTCTTGAAGATCA-3'
Protein context (NP_002471.1, residues 712-732): GRSRSTRTRE[Gln722His]ENEEKEKEEK